The following is an entry in ClinVar:

NM_001369.3(DNAH5):c.12622_12623insAGAGACAG (p.Ile4208fs)

Gene: DNAH5 (dynein axonemal heavy chain 5; minus strand). Cytogenetic location: 5p15.2.
Variant type: Insertion.
Coding change: c.12622_12623insAGAGACAG on transcript NM_001369.3 (MANE Select); coding-DNA positions 12622 to 12623, AGAGACAG inserted.
Protein change: p.Ile4208fs; shifts the reading frame from isoleucine 4208.
Molecular consequence: frameshift variant.
Genome position: GRCh38 VCF-style: chr5-13717397-A-ACTGTCTCT. GRCh37 (hg19) VCF-style: chr5-13717506-A-ACTGTCTCT.
Other names: short protein forms I4208fs.
Identifiers: ClinVar variation 5010452 (VCV005010452.1).

ClinVar aggregate classification (germline): Pathogenic (1 of 4 stars; one submission).

Conditions:
Primary ciliary dyskinesia 3. Identifiers: Orphanet 244, MedGen C1837618, MONDO:0012085, OMIM 608644.

Submission:

Myriad Genetics, Inc.
Classification: Pathogenic for Primary ciliary dyskinesia 3. Last evaluated: 2024-05-14. Review status: criteria provided, single submitter. Criteria: Myriad Autosomal Dominant, Autosomal Recessive and X-Linked Classification Criteria (2023). Collection method: clinical testing. Allele origin: unknown.
Comment: NM_001369.2(DNAH5):c.12622_12623ins8(I4208Kfs*41) is expected to be pathogenic in the context of primary ciliary dyskinesia, DNAH5-related. This variant is predicted to lead to an abnormal or absent protein product due to the creation of a premature termination codon in DNAH5, a gene where loss-of-function variants are known to be pathogenic. Please note: this variant was assessed in the context of healthy population screening.